The following is an entry in ClinVar:

ClinVar aggregate classification (germline): Uncertain significance (1 of 4 stars; one submission).

Conditions:
Glycogen storage disease IXb (GSD9B). Also called: GLYCOGENOSIS OF LIVER AND MUSCLE, AUTOSOMAL RECESSIVE; GSD IXb; PHOSPHORYLASE KINASE DEFICIENCY OF LIVER AND MUSCLE, AUTOSOMAL RECESSIVE. Identifiers: Orphanet 79240, MedGen C0543514, MONDO:0009868, OMIM 261750.

Submission:

Labcorp Genetics (formerly Invitae), Labcorp
Classification: Uncertain significance for Glycogen storage disease IXb. Last evaluated: 2022-10-17. Review status: criteria provided, single submitter. Criteria: Invitae Variant Classification Sherloc (09022015). Collection method: clinical testing. Allele origin: germline.
Comment: This sequence change creates a premature translational stop signal (p.Ala4Argfs*8) in the PHKB gene. However, it is currently unclear if variants that occur in this region of the gene cause disease. In summary, the available evidence is currently insufficient to determine the role of this variant in disease. Therefore, it has been classified as a Variant of Uncertain Significance. This variant has not been reported in the literature in individuals affected with PHKB-related conditions. This variant is not present in population databases (gnomAD no frequency).

NM_000293.3(PHKB):c.10del (p.Ala4fs)

Genes: PHKB (phosphorylase kinase regulatory subunit beta; plus strand), LOC130058947 (ATAC-STARR-seq lymphoblastoid silent region 7451; plus strand). Cytogenetic location: 16q12.1.
Variant type: Deletion.
Coding change: c.10del on transcript NM_000293.3 (MANE Select); coding-DNA position 10, one base deleted (G; older notation c.10delG).
Protein change: p.Ala4fs; shifts the reading frame from alanine 4.
Molecular consequence: frameshift variant. On other transcripts: 5 prime UTR variant (1).
Genome position (GRCh38, 1-based): chr16:47,461,360, G deleted; the last of 5 consecutive G bases (chr16:47,461,356-47,461,360); deleting any one gives the same sequence. VCF-style (leftmost placement, unchanged base first): chr16-47461355-CG-C. GRCh37 (hg19) VCF-style: chr16-47495266-CG-C.
Other names: c.-124del (NM_001031835.3); c.10del, p.Ala4fs (NM_001363837.1); short protein forms A4fs.
Identifiers: ClinVar variation 2097794 (VCV002097794.4), dbSNP rs2548321294, ClinGen allele CA2580091557.